The following is an entry in ClinVar:

NM_001244008.2(KIF1A):c.2511G>T (p.Glu837Asp)

Gene: KIF1A (kinesin family member 1A; minus strand). Cytogenetic location: 2q37.3.
Variant type: single nucleotide variant.
Coding change: c.2511G>T on transcript NM_001244008.2 (MANE Select); coding-DNA position 2511, G replaced by T.
Protein change: p.Glu837Asp; replaces glutamic acid 837 with aspartic acid.
Molecular consequence: missense variant.
Genome position (GRCh38, 1-based): chr2:240,758,431, C>A on the plus strand (G>T on the coding strand, the complement: KIF1A is on the minus strand). VCF-style: chr2-240758431-C-A. GRCh37 (hg19) VCF-style: chr2-241697848-C-A.
Other names: c.2511G>T, p.Glu837Asp (NM_001320705.2, NM_001330289.2, NM_001379638.1); c.2586G>T, p.Glu862Asp (NM_001330290.2, NM_001379631.1, NM_001379634.1 and 2 more transcripts); c.2484G>T, p.Glu828Asp (NM_001379632.1, NM_001379633.1, NM_001379636.1 and 10 more transcripts); c.2559G>T, p.Glu853Asp (NM_001379637.1, NM_001379648.1); short protein forms E828D, E837D, E853D, E862D.
Identifiers: ClinVar variation 1328741 (VCV001328741.2), dbSNP rs2125875351, ClinGen allele CA351323736.

ClinVar aggregate classification (germline): Uncertain significance (1 of 4 stars; one submission).

Allele frequency attached by ClinVar (database versions not stated): gnomAD exomes below 0.00001.
gnomAD v4.1: 1 of 1,612,500 alleles (0.000062%); highest among the groups gnomAD compares: South Asian, 0.0011%; no homozygotes.

Submission:

GeneDx
Classification: Uncertain significance. Last evaluated: 2021-06-17. Review status: criteria provided, single submitter. Criteria: GeneDx Variant Classification Process June 2021. Collection method: clinical testing. Allele origin: germline. Affected: yes.
Comment: Not observed at significant frequency in large population cohorts (Lek et al., 2016); In silico analysis supports that this missense variant does not alter protein structure/function; Has not been previously published as pathogenic or benign to our knowledge; This variant is associated with the following publications: (PMID: 27535533)